The following is an entry in ClinVar:

ClinVar aggregate classification (germline): Uncertain significance (1 of 4 stars; one submission).

Conditions:
DOCK2 deficiency. Also called: Immunodeficiency 40. Identifiers: Orphanet 447737, MedGen C4225328, MONDO:0014637, OMIM 616433.

Submission:

Labcorp Genetics (formerly Invitae), Labcorp
Classification: Uncertain significance for DOCK2 deficiency. Last evaluated: 2022-02-02. Review status: criteria provided, single submitter. Criteria: Invitae Variant Classification Sherloc (09022015). Collection method: clinical testing. Allele origin: germline.
Comment: This sequence change replaces lysine, which is basic and polar, with glutamine, which is neutral and polar, at codon 1334 of the DOCK2 protein (p.Lys1334Gln). In summary, the available evidence is currently insufficient to determine the role of this variant in disease. Therefore, it has been classified as a Variant of Uncertain Significance. Algorithms developed to predict the effect of missense changes on protein structure and function (SIFT, PolyPhen-2, Align-GVGD) all suggest that this variant is likely to be tolerated. ClinVar contains an entry for this variant (Variation ID: 1026207). This variant has not been reported in the literature in individuals affected with DOCK2-related conditions. This variant is not present in population databases (gnomAD no frequency).

NM_004946.3(DOCK2):c.4000A>C (p.Lys1334Gln)

Gene: DOCK2 (dedicator of cytokinesis 2; plus strand). Cytogenetic location: 5q35.1.
Variant type: single nucleotide variant.
Coding change: c.4000A>C on transcript NM_004946.3 (MANE Select); coding-DNA position 4000, A replaced by C.
Protein change: p.Lys1334Gln; replaces lysine 1334 with glutamine.
Molecular consequence: missense variant. On other transcripts: non-coding transcript variant (1).
Genome position (GRCh38, 1-based): chr5:170,047,543, A>C. VCF-style: chr5-170047543-A-C. GRCh37 (hg19) VCF-style: chr5-169474547-A-C.
Other names: short protein forms K1334Q.
Identifiers: ClinVar variation 1026207 (VCV001026207.8), dbSNP rs1756758505, ClinGen allele CA362109887.